The following is an entry in ClinVar:

ClinVar aggregate classification (germline): Pathogenic (1 of 4 stars; one submission).

Conditions:
Citrullinemia. Identifiers: Orphanet 187, MedGen C0175683, MONDO:0015991.

Submission:

Labcorp Genetics (formerly Invitae), Labcorp
Classification: Pathogenic for Citrullinemia. Last evaluated: 2022-05-12. Review status: criteria provided, single submitter. Criteria: Invitae Variant Classification Sherloc (09022015). Collection method: clinical testing. Allele origin: germline.
Comment: For these reasons, this variant has been classified as Pathogenic. This variant has not been reported in the literature in individuals affected with ASS1-related conditions. This variant is not present in population databases (gnomAD no frequency). This sequence change creates a premature translational stop signal (p.Glu46Aspfs*16) in the ASS1 gene. It is expected to result in an absent or disrupted protein product. Loss-of-function variants in ASS1 are known to be pathogenic (PMID: 18473344, 19006241).

Literature cited by the submitters: PubMed 18473344; PubMed 19006241.

NM_054012.4(ASS1):c.138_139del (p.Glu46fs)

Gene: ASS1 (argininosuccinate synthase 1; plus strand). Cytogenetic location: 9q34.11.
Variant type: Deletion.
Coding change: c.138_139del on transcript NM_054012.4 (MANE Select); coding-DNA positions 138 to 139, 2 bases deleted (AG; older notation c.138_139delAG).
Protein change: p.Glu46fs; shifts the reading frame from glutamic acid 46.
Molecular consequence: frameshift variant.
Genome position (GRCh38, 1-based): chr9:130,454,337-130,454,338, AG deleted. VCF-style (leftmost placement, unchanged base first): chr9-130454336-AAG-A. GRCh37 (hg19) VCF-style: chr9-133329723-AAG-A.
Other names: c.138_139del, p.Glu46fs (NM_000050.4); short protein forms E46fs.
Identifiers: ClinVar variation 2139638 (VCV002139638.4), dbSNP rs2490520629, ClinGen allele CA2580079796.
Genomic context (GRCh38, chr9:130,454,336, plus strand): 5'-GACGGAGCCTCTCCGCTTCTGCTTCTCAGGCCAACATTGGCCAGAAGGAAGACTTCGAGG[AAG>A]CCAGGAAGAAGGCACTGAAGCTTGGGGCCAAAAAGGTACCAGGCGGGAGGCAGGGATTTG-3'